The following is an entry in ClinVar:

NM_001374828.1(ARID1B):c.2335C>T (p.Gln779Ter)

Gene: ARID1B (AT-rich interaction domain 1B; plus strand). Cytogenetic location: 6q25.3.
Variant type: single nucleotide variant.
Coding change: c.2335C>T on transcript NM_001374828.1 (MANE Select); coding-DNA position 2335, C replaced by T.
Protein change: p.Gln779Ter; replaces glutamine 779 with a stop codon.
Molecular consequence: nonsense. On other transcripts: 5 prime UTR variant (2).
Genome position (GRCh38, 1-based): chr6:157,084,749, C>T. VCF-style: chr6-157084749-C-T. GRCh37 (hg19) VCF-style: chr6-157405883-C-T.
Other names: c.-165C>T (NM_001363725.2, NM_001438488.1); c.2374C>T, p.Gln792Ter (NM_001371656.1, NM_001374820.1); c.2335C>T, p.Gln779Ter (NM_001438482.1, NM_001438485.1, NM_001438487.1 and 1 more transcripts); c.2377C>T, p.Gln793Ter (NM_001438483.1, NM_001438486.1); short protein forms Q779*, Q792*, Q793*.
Identifiers: ClinVar variation 4532021 (VCV004532021.1).
Genomic context (GRCh38, chr6:157,084,749, plus strand): 5'-CCCACGGGAACGGAAGCAACTTTGAGCTCAGCAGTCAGTGCATCCGGGTCCACGAGCAGC[C>T]AAGGGGATCAGAGCAACCCGGCGCAGTCGCCTTTCTCCCCACATGCGTCCCCTCATCTCT-3'

ClinVar aggregate classification (germline): Pathogenic (1 of 4 stars; one submission).

Conditions:
Coffin-Siris syndrome 1 (CSS1). Also called: Mental retardation, autosomal dominant 12; ARID1B-Related Coffin-Siris Syndrome. Identifiers: Orphanet 1465, MedGen C3281201, MONDO:0007617, OMIM 135900. Disease mechanism: gain of function.

Submission:

Victorian Clinical Genetics Services, Murdoch Childrens Research Institute
Classification: Pathogenic for Coffin-Siris syndrome 1. Last evaluated: 2025-04-14. Review status: criteria provided, single submitter. Criteria: ACMG Guidelines, 2015. Collection method: clinical testing. Allele origin: germline. Affected: yes.
Comment: This variant is classified as Pathogenic. Evidence in support of pathogenic classification: Variant is predicted to cause nonsense-mediated decay (NMD) and loss of protein (premature termination codon is located at least 54 nucleotides upstream of the final exon-exon junction); Variant is absent from gnomAD (v2, v3 and v4); Other NMD-predicted variant(s) comparable to the one identified in this case have very strong previous evidence for pathogenicity (DECIPHER); Additional information: This variant is heterozygous; This gene is associated with autosomal dominant disease; This variant has no previous evidence of pathogenicity; No published segregation evidence has been identified for this variant; No published functional evidence has been identified for this variant; Loss of function is a known mechanism of disease in this gene and is associated with Coffin-Siris syndrome 1 (MIM#135900); Variants in this gene are known to have variable expressivity (PMID: 33768696).

Literature cited by the submitters: PubMed 33768696.